The following is an entry in ClinVar:

NM_020987.5(ANK3):c.1296G>A (p.Ser432=)

Gene: ANK3 (ankyrin 3; minus strand). Cytogenetic location: 10q21.2.
Variant type: single nucleotide variant.
Coding change: c.1296G>A on transcript NM_020987.5 (MANE Select); coding-DNA position 1296, G replaced by A.
Protein change: p.Ser432=; no amino-acid change (serine 432 retained).
Molecular consequence: synonymous variant.
Genome position (GRCh38, 1-based): chr10:60,203,098, C>T on the plus strand (G>A on the coding strand, the complement: ANK3 is on the minus strand). VCF-style: chr10-60203098-C-T. GRCh37 (hg19) VCF-style: chr10-61962856-C-T.
Other names: c.1278G>A, p.Ser426= (NM_001204403.2); c.1245G>A, p.Ser415= (NM_001204404.2); c.1296G>A, p.Ser432= (NM_001320874.2).
Identifiers: ClinVar variation 2185357 (VCV002185357.5), dbSNP rs754546725, ClinGen allele CA5513172.

ClinVar aggregate classification (germline): Uncertain significance. Review status: criteria provided, multiple submitters, no conflicts (2 of 4 stars). 2 submissions from 2 submitters: Uncertain significance (2). Last evaluated 2026-08-01.

Allele frequency attached by ClinVar (database versions not stated): gnomAD 0.00005.
gnomAD v4.1: 37 of 1,610,928 alleles (0.0023%); highest among the groups gnomAD compares: Admixed American, 0.018%; no homozygotes.

Submissions (2):

CeGaT Center for Human Genetics Tuebingen
Classification: Uncertain significance. Last evaluated: 2026-08-01. Review status: criteria provided, single submitter. Criteria: CeGaT Center For Human Genetics Tuebingen Variant Classification Criteria Version 2. Collection method: clinical testing. Allele origin: germline. Affected: yes. Observed: 1 variant allele.
Comment: ANK3: PM2, PP3

Labcorp Genetics (formerly Invitae), Labcorp
Classification: Uncertain significance. Last evaluated: 2025-08-11. Review status: criteria provided, single submitter. Criteria: Invitae Variant Classification Sherloc (09022015). Collection method: clinical testing. Allele origin: germline.
Comment: This sequence change affects codon 432 of the ANK3 mRNA. It is a 'silent' change, meaning that it does not change the encoded amino acid sequence of the ANK3 protein. This variant is present in population databases (rs754546725, gnomAD 0.02%). This variant has not been reported in the literature in individuals affected with ANK3-related conditions. ClinVar contains an entry for this variant (Variation ID: 2185357). Algorithms developed to predict the effect of sequence changes on RNA splicing suggest that this variant may create or strengthen a splice site. In summary, the available evidence is currently insufficient to determine the role of this variant in disease. Therefore, it has been classified as a Variant of Uncertain Significance.